The following is an entry in ClinVar:

NM_002470.4(MYH3):c.5462G>T (p.Arg1821Leu)

Gene: MYH3 (myosin heavy chain 3; minus strand). Cytogenetic location: 17p13.1.
Variant type: single nucleotide variant.
Coding change: c.5462G>T on transcript NM_002470.4 (MANE Select); coding-DNA position 5462, G replaced by T.
Protein change: p.Arg1821Leu; replaces arginine 1821 with leucine.
Molecular consequence: missense variant.
Genome position (GRCh38, 1-based): chr17:10,630,192, C>A on the plus strand (G>T on the coding strand, the complement: MYH3 is on the minus strand). VCF-style: chr17-10630192-C-A. GRCh37 (hg19) VCF-style: chr17-10533509-C-A.
Other names: short protein forms R1821L.
Identifiers: ClinVar variation 2052532 (VCV002052532.4), dbSNP rs767892414, ClinGen allele CA398130825.

ClinVar aggregate classification (germline): Uncertain significance (1 of 4 stars; one submission).

Submission:

Labcorp Genetics (formerly Invitae), Labcorp
Classification: Uncertain significance. Last evaluated: 2022-10-31. Review status: criteria provided, single submitter. Criteria: Invitae Variant Classification Sherloc (09022015). Collection method: clinical testing. Allele origin: germline.
Comment: In summary, the available evidence is currently insufficient to determine the role of this variant in disease. Therefore, it has been classified as a Variant of Uncertain Significance. Advanced modeling of protein sequence and biophysical properties (such as structural, functional, and spatial information, amino acid conservation, physicochemical variation, residue mobility, and thermodynamic stability) performed at Invitae indicates that this missense variant is not expected to disrupt MYH3 protein function. This variant has not been reported in the literature in individuals affected with MYH3-related conditions. This variant is not present in population databases (gnomAD no frequency). This sequence change replaces arginine, which is basic and polar, with leucine, which is neutral and non-polar, at codon 1821 of the MYH3 protein (p.Arg1821Leu).